The following is an entry in ClinVar:

NM_003486.7(SLC7A5):c.552C>G (p.Ala184=)

Gene: SLC7A5 (solute carrier family 7 member 5; minus strand). Cytogenetic location: 16q24.2.
Variant type: single nucleotide variant.
Coding change: c.552C>G on transcript NM_003486.7 (MANE Select); coding-DNA position 552, C replaced by G.
Protein change: p.Ala184=; no amino-acid change (alanine 184 retained).
Molecular consequence: synonymous variant.
Genome position (GRCh38, 1-based): chr16:87,851,836, G>C on the plus strand (C>G on the coding strand, the complement: SLC7A5 is on the minus strand). VCF-style: chr16-87851836-G-C. GRCh37 (hg19) VCF-style: chr16-87885442-G-C.
Identifiers: ClinVar variation 3059149 (VCV003059149.2), dbSNP rs549051612, ClinGen allele CA8223029.

ClinVar aggregate classification (germline): Likely benign (0 of 4 stars; one submission).

Conditions:
SLC7A5-related disorder. Also called: SLC7A5-related condition.

gnomAD v4.1: 243 of 1,612,910 alleles (0.015%); highest among the groups gnomAD compares: Non-Finnish European, 0.02%; no homozygotes.

Submission:

PreventionGenetics, part of Exact Sciences
Classification: Likely benign for SLC7A5-related condition. Last evaluated: 2019-04-29. Review status: no assertion criteria provided. Collection method: clinical testing. Allele origin: germline.
Comment: This variant is classified as likely benign based on ACMG/AMP sequence variant interpretation guidelines (Richards et al. 2015 PMID: 25741868, with internal and published modifications).